The following is an entry in ClinVar:

NM_001386140.1(MTTP):c.2218-2A>G

Gene: MTTP (microsomal triglyceride transfer protein; plus strand). Cytogenetic location: 4q23.
Variant type: single nucleotide variant.
Coding change: c.2218-2A>G on transcript NM_001386140.1 (MANE Select); the canonical splice acceptor site of the intron before coding-DNA position 2218, A replaced by G.
Molecular consequence: splice acceptor variant.
Genome position (GRCh38, 1-based): chr4:99,618,972, A>G. VCF-style: chr4-99618972-A-G. GRCh37 (hg19) VCF-style: chr4-100540129-A-G.
Other names: c.2218-2A>G (NM_000253.4); c.1969-2A>G (NM_001300785.2).
Identifiers: ClinVar variation 1072851 (VCV001072851.6), dbSNP rs1216021480, ClinGen allele CA357518066.
Genomic context (GRCh38, chr4:99,618,972, plus strand): 5'-AAGGGGGTTAACTAAATTGTACTTATTATTTTTATAACTATTATTATGCTTTTTTCTTCT[A>G]GGAACTTCAGTTACAATCTGGACTAAAAGCCAATATAGAGGTCCAGGGTGGTCTAGCTAT-3'

ClinVar aggregate classification (germline): Pathogenic. Review status: criteria provided, multiple submitters, no conflicts (2 of 4 stars). 2 submissions from 2 submitters: Pathogenic (2). Last evaluated 2025-08-12.

Conditions:
Abetalipoproteinaemia (ABL). Also called: MTP DEFICIENCY; Abetalipoproteinemia; Abetalipoproteinemia neuropathy; Apolipoprotein B deficiency; Congenital betalipoprotein deficiency syndrome. Identifiers: Orphanet 14, MedGen C0000744, MONDO:0008692, OMIM 200100, HP:0008181.

Allele frequency attached by ClinVar (database versions not stated): gnomAD exomes below 0.00001 and 0.00001.
gnomAD v4.1: 3 of 1,611,436 alleles (0.00019%); highest among the groups gnomAD compares: Non-Finnish European, 0.00025%; no homozygotes.

Submissions (2):

Myriad Genetics, Inc.
Classification: Pathogenic for Abetalipoproteinaemia. Last evaluated: 2025-08-12. Review status: criteria provided, single submitter. Criteria: Myriad Autosomal Dominant, Autosomal Recessive and X-Linked Classification Criteria (2023). Collection method: clinical testing. Allele origin: unknown.
Comment: NM_000253.2(MTTP):c.2218-2A>G is a variant in a canonical splice site classified as pathogenic in the context of abetalipoproteinemia. c.2218-2A>G has been observed in cases with relevant disease (PMID: 10946006, 24842304). Relevant functional assessments of this variant are not available in the literature. c.2218-2A>G has been observed in referenced population frequency databases. In summary, NM_000253.2(MTTP):c.2218-2A>G is a variant in a canonical splice site in a gene where loss of function is a known mechanism of disease, is predicted to disrupt protein function, and has been observed more frequently in cases with the relevant disease than in healthy populations. Please note: this variant was assessed in the context of healthy population screening.

Labcorp Genetics (formerly Invitae), Labcorp
Classification: Pathogenic. Last evaluated: 2025-04-16. Review status: criteria provided, single submitter. Criteria: Invitae Variant Classification Sherloc (09022015). Collection method: clinical testing. Allele origin: germline.
Comment: This sequence change affects an acceptor splice site in intron 16 of the MTTP gene. It is expected to disrupt RNA splicing. Variants that disrupt the donor or acceptor splice site typically lead to a loss of protein function (PMID: 16199547), and loss-of-function variants in MTTP are known to be pathogenic (PMID: 8533758, 9671739). The frequency data for this variant in the population databases is considered unreliable, as metrics indicate poor data quality at this position in the gnomAD database. Disruption of this splice site has been observed in individuals with abetalipoproteinemia (PMID: 10946006, 24842304). ClinVar contains an entry for this variant (Variation ID: 1072851). Algorithms developed to predict the effect of sequence changes on RNA splicing suggest that this variant may disrupt the consensus splice site. For these reasons, this variant has been classified as Pathogenic.

Literature cited by the submitters: PubMed 10946006 (cited by Myriad Genetics, Inc. and Labcorp Genetics (formerly Invitae), Labcorp); PubMed 24842304 (cited by Myriad Genetics, Inc. and Labcorp Genetics (formerly Invitae), Labcorp); PubMed 16199547 (cited by Labcorp Genetics (formerly Invitae), Labcorp); PubMed 8533758 (cited by Labcorp Genetics (formerly Invitae), Labcorp); PubMed 9671739 (cited by Labcorp Genetics (formerly Invitae), Labcorp).